The following is an entry in ClinVar:

ClinVar aggregate classification (germline): Uncertain significance (1 of 4 stars; one submission).

Conditions:
Perlman syndrome (PRLMNS). Identifiers: Orphanet 2849, MedGen C0796113, MONDO:0009965, OMIM 267000.

Submission:

Labcorp Genetics (formerly Invitae), Labcorp
Classification: Uncertain significance for Perlman syndrome. Last evaluated: 2021-12-11. Review status: criteria provided, single submitter. Criteria: Invitae Variant Classification Sherloc (09022015). Collection method: clinical testing. Allele origin: germline.
Comment: This variant is not present in population databases (gnomAD no frequency). This sequence change replaces glycine, which is neutral and non-polar, with valine, which is neutral and non-polar, at codon 811 of the DIS3L2 protein (p.Gly811Val). This variant has not been reported in the literature in individuals affected with DIS3L2-related conditions. Algorithms developed to predict the effect of missense changes on protein structure and function (SIFT, PolyPhen-2, Align-GVGD) all suggest that this variant is likely to be tolerated. In summary, the available evidence is currently insufficient to determine the role of this variant in disease. Therefore, it has been classified as a Variant of Uncertain Significance.

NM_152383.5(DIS3L2):c.2432G>T (p.Gly811Val)

Gene: DIS3L2 (DIS3 like 3'-5' exoribonuclease 2; plus strand). Cytogenetic location: 2q37.1.
Variant type: single nucleotide variant.
Coding change: c.2432G>T on transcript NM_152383.5 (MANE Select); coding-DNA position 2432, G replaced by T.
Protein change: p.Gly811Val; replaces glycine 811 with valine.
Molecular consequence: missense variant. On other transcripts: non-coding transcript variant (2), intron variant (1).
Genome position (GRCh38, 1-based): chr2:232,335,810, G>T. VCF-style: chr2-232335810-G-T. GRCh37 (hg19) VCF-style: chr2-233200520-G-T.
Other names: c.1582-7535G>T (NM_001257281.2); short protein forms G811V.
Identifiers: ClinVar variation 2084546 (VCV002084546.4), dbSNP rs1196270966, ClinGen allele CA350978216.